The following is an entry in ClinVar:

ClinVar aggregate classification (germline): Uncertain significance. Review status: criteria provided, multiple submitters, no conflicts (2 of 4 stars). 4 submissions from 4 submitters: Uncertain significance (4). Last evaluated 2025-11-14.

Conditions:
NPHP1-related disorder. Also called: NPHP1-related condition; NPHP1-related disorders.
Nephronophthisis. Also called: Juvenile Nephronophthisis. Identifiers: Orphanet 655, MedGen C0687120, MONDO:0019005, HP:0000090.
Inborn genetic diseases. Identifiers: MedGen C0950123, MeSH D030342.
Nephronophthisis 1 (NPHP1). Also called: Nephronophthisis familial juvenile. Identifiers: Orphanet 655, Orphanet 93592, MedGen C1855681, MONDO:0009728, OMIM 256100.
Joubert syndrome with renal defect. Also called: JOUBERT SYNDROME 4. Identifiers: Orphanet 220497, MedGen C1846790, MONDO:0012308, OMIM 609583.
Senior-Loken syndrome 1 (SLSN1). Also called: JUVENILE NEPHRONOPHTHISIS WITH LEBER AMAUROSIS. Identifiers: Orphanet 3156, MedGen C4551559, MONDO:0009962, OMIM 266900.

Allele frequency attached by ClinVar (database versions not stated): gnomAD exomes 0.00001; gnomAD 0.00002.
gnomAD v4.1: 10 of 1,613,852 alleles (0.00062%); highest among the groups gnomAD compares: East Asian, 0.0022%; no homozygotes.

Submissions (4):

PreventionGenetics, part of Exact Sciences
Classification: Uncertain significance for NPHP1-related condition. Last evaluated: 2025-11-14. Review status: criteria provided, single submitter. Criteria: ACMG Guidelines, 2015. Collection method: clinical testing. Allele origin: germline.
Comment: The NPHP1 c.797A>G variant is predicted to result in the amino acid substitution p.His266Arg. To our knowledge, this variant has not been reported in the literature. This variant is reported in 0.0065% of alleles in individuals of European (Non-Finnish) descent in gnomAD. At this time, the clinical significance of this variant is uncertain due to the absence of conclusive functional and genetic evidence.

Labcorp Genetics (formerly Invitae), Labcorp
Classification: Uncertain significance for Nephronophthisis. Last evaluated: 2025-05-23. Review status: criteria provided, single submitter. Criteria: Invitae Variant Classification Sherloc (09022015). Collection method: clinical testing. Allele origin: germline.
Comment: This sequence change replaces histidine, which is basic and polar, with arginine, which is basic and polar, at codon 266 of the NPHP1 protein (p.His266Arg). The frequency data for this variant in the population databases is considered unreliable, as metrics indicate poor data quality at this position in the gnomAD database. This variant has not been reported in the literature in individuals affected with NPHP1-related conditions. ClinVar contains an entry for this variant (Variation ID: 2141463). An algorithm developed to predict the effect of missense changes on protein structure and function (PolyPhen-2) suggests that this variant is likely to be tolerated. In summary, the available evidence is currently insufficient to determine the role of this variant in disease. Therefore, it has been classified as a Variant of Uncertain Significance.

Fulgent Genetics
Classification: Uncertain significance for Nephronophthisis 1; Senior-Loken syndrome 1; Joubert syndrome with renal defect. Last evaluated: 2024-01-04. Review status: criteria provided, single submitter. Criteria: ACMG Guidelines, 2015. Collection method: clinical testing. Allele origin: germline.

Ambry Genetics
Classification: Uncertain significance for Inborn genetic diseases. Last evaluated: 2022-09-27. Review status: criteria provided, single submitter. Criteria: Ambry Variant Classification Scheme 2023. Collection method: clinical testing. Allele origin: germline.

NM_001128178.3(NPHP1):c.771+26A>G

Gene: NPHP1 (nephrocystin 1; minus strand). Cytogenetic location: 2q13.
Variant type: single nucleotide variant.
Coding change: c.771+26A>G on transcript NM_001128178.3 (MANE Select); 26 bases into the intron after coding-DNA position 771, A replaced by G.
Molecular consequence: intron variant. On other transcripts: missense variant (2).
Genome position (GRCh38, 1-based): chr2:110,164,662, T>C on the plus strand (A>G on the coding strand, the complement: NPHP1 is on the minus strand). VCF-style: chr2-110164662-T-C. GRCh37 (hg19) VCF-style: chr2-110922239-T-C.
Other names: c.797A>G (NM_000272.3, NM_000272.4); c.797A>G, p.His266Arg (NM_000272.5, NM_207181.4); c.585+26A>G (NM_001128179.3); c.771+26A>G (NM_001374256.1, NM_001374257.1); short protein forms H266R.
Identifiers: ClinVar variation 2141463 (VCV002141463.5), dbSNP rs1437104283, ClinGen allele CA348091896.
Genomic context (GRCh38, chr2:110,164,662, plus strand): 5'-GTGTCTTCCACAGTCTCCATCCTATTTCGCATCAGAACTATTAGGTAGCAAAACGAGACA[T>C]GATTAACAAGACAGAAGATGCCCGCCTCTGAAATCGCTTTCTGAACAGCACTCCAGTGGG-3'